The following is an entry in ClinVar:

ClinVar aggregate classification (germline): Uncertain significance (1 of 4 stars; one submission).

Conditions:
Cardiovascular phenotype. Identifiers: MedGen CN230736.

Submission:

Ambry Genetics
Classification: Uncertain significance for Cardiovascular phenotype. Last evaluated: 2025-11-07. Review status: criteria provided, single submitter. Criteria: Ambry Variant Classification Scheme 2023. Collection method: clinical testing. Allele origin: germline.
Comment: The p.P13L variant (also known as c.38C>T), located in coding exon 1 of the RASA1 gene, results from a C to T substitution at nucleotide position 38. The proline at codon 13 is replaced by leucine, an amino acid with similar properties. This amino acid position is conserved. In addition, this alteration is predicted to be tolerated by in silico analysis. Based on the available evidence, the clinical significance of this variant remains unclear.

NM_002890.3(RASA1):c.38C>T (p.Pro13Leu)

Gene: RASA1 (RAS p21 protein activator 1; plus strand). Cytogenetic location: 5q14.3.
Variant type: single nucleotide variant.
Coding change: c.38C>T on transcript NM_002890.3 (MANE Select); coding-DNA position 38, C replaced by T.
Protein change: p.Pro13Leu; replaces proline 13 with leucine.
Molecular consequence: missense variant.
Genome position (GRCh38, 1-based): chr5:87,268,489, C>T. VCF-style: chr5-87268489-C-T. GRCh37 (hg19) VCF-style: chr5-86564306-C-T.
Other names: short protein forms P13L.
Identifiers: ClinVar variation 4614810 (VCV004614810.1).
Genomic context (GRCh38, chr5:87,268,489, plus strand): 5'-GGCAGAGTAGAGCGGGCTTCAACATGATGGCGGCCGAGGCCGGCAGTGAGGAGGGCGGCC[C>T]GGTAACAGCCGGAGCTGGAGGAGGCGGCGCGGCAGCGGGCTCCAGTGCCTATCCCGCAGT-3'
Protein context (NP_002881.1, residues 3-23): AAEAGSEEGG[Pro13Leu]VTAGAGGGGA